The following is an entry in ClinVar:

ClinVar aggregate classification (germline): Conflicting classifications of pathogenicity. Review status: criteria provided, conflicting classifications (1 of 4 stars). 2 submissions from 2 submitters: Pathogenic (1); Uncertain significance (1). Last evaluated 2025-12-17.

Conditions:
Hereditary cancer-predisposing syndrome. Also called: Hereditary neoplastic syndrome; Hereditary Cancer Syndrome; Tumor predisposition; Neoplastic Syndromes, Hereditary. Identifiers: Orphanet 140162, MedGen C0027672, MeSH D009386, MONDO:0015356.

Submissions (2):

Labcorp Genetics (formerly Invitae), Labcorp
Classification: Pathogenic. Last evaluated: 2025-12-17. Review status: criteria provided, single submitter. Criteria: Invitae Variant Classification Sherloc (09022015). Collection method: clinical testing. Allele origin: germline.
Comment: This sequence change creates a premature translational stop signal (p.Ser233Hisfs*2) in the POLE gene. It is expected to result in an absent or disrupted protein product. Loss-of-function variants in POLE are known to be pathogenic (PMID: 23230001, 25948378, 30503519). This variant is present in population databases (no rsID available, gnomAD 0.0009%). This variant has not been reported in the literature in individuals affected with POLE-related conditions. For these reasons, this variant has been classified as Pathogenic.

Ambry Genetics
Classification: Uncertain significance for Hereditary cancer-predisposing syndrome. Last evaluated: 2025-01-29. Review status: criteria provided, single submitter. Criteria: Ambry Variant Classification Scheme 2023. Collection method: clinical testing. Allele origin: germline.
Comment: The c.697_698delTC variant, located in coding exon 7 of the POLE gene, results from a deletion of two nucleotides at nucleotide positions 697 to 698, causing a translational frameshift with a predicted alternate stop codon (p.S233Hfs*2). This alteration is expected to result in loss of function by premature protein truncation or nonsense-mediated mRNA decay. Although biallelic loss of function of POLE has been associated with autosomal recessive POLE deficiency, haploinsufficiency of POLE has not been established as a mechanism of disease for POLE-related polymerase proofreading-associated polyposis (PPAP) and POLE-related CMMRD-like syndrome. Based on the supporting evidence, this variant is expected to be causative of POLE deficiency when present along with a second pathogenic variant on the other allele; however, its clinical significance for PPAP and POLE-related CMMRD-like syndrome is unclear.

Literature cited by the submitters: PubMed 23230001 (cited by Labcorp Genetics (formerly Invitae), Labcorp); PubMed 25948378 (cited by Labcorp Genetics (formerly Invitae), Labcorp); PubMed 30503519 (cited by Labcorp Genetics (formerly Invitae), Labcorp).

NM_006231.4(POLE):c.697_698del (p.Ser233fs)

Gene: POLE (DNA polymerase epsilon, catalytic subunit; minus strand). Cytogenetic location: 12q24.33.
Variant type: Microsatellite.
Coding change: c.697_698del on transcript NM_006231.4 (MANE Select); coding-DNA positions 697 to 698, 2 bases deleted (TC; older notation c.697_698delTC).
Protein change: p.Ser233fs; shifts the reading frame from serine 233.
Molecular consequence: frameshift variant.
Genome position (GRCh38, 1-based): chr12:132,677,600-132,677,601, GA deleted on the plus strand (TC on the coding strand, the reverse complement: POLE is on the minus strand); deleting any 2 consecutive bases within chr12:132,677,600-132,677,604 gives the same sequence; the c. name uses the placement nearest the transcript's 3' end. VCF-style (leftmost placement, unchanged base first): chr12-132677599-GGA-G. GRCh37 (hg19) VCF-style: chr12-133254185-GGA-G.
Other names: c.697_698delTC (NM_006231.2); short protein forms S233fs.
Identifiers: ClinVar variation 1522607 (VCV001522607.9), dbSNP rs1361462274, ClinGen allele CA608514387.